The following is an entry in ClinVar:

NM_020719.3(PRR12):c.5318C>T (p.Thr1773Met)

Gene: PRR12 (proline rich 12; plus strand). Cytogenetic location: 19q13.33.
Variant type: single nucleotide variant.
Coding change: c.5318C>T on transcript NM_020719.3 (MANE Select); coding-DNA position 5318, C replaced by T.
Protein change: p.Thr1773Met; replaces threonine 1773 with methionine.
Molecular consequence: missense variant.
Genome position (GRCh38, 1-based): chr19:49,616,040, C>T. VCF-style: chr19-49616040-C-T. GRCh37 (hg19) VCF-style: chr19-50119297-C-T.
Other names: c.5318C>T (NM_020719.1, NM_020719.2); short protein forms T1773M.
Identifiers: ClinVar variation 3024972 (VCV003024972.24), dbSNP rs201889627, ClinGen allele CA9578669.

ClinVar aggregate classification (germline): Likely benign. Review status: criteria provided, multiple submitters, no conflicts (2 of 4 stars). 3 submissions from 3 submitters: Likely benign (2). 1 of the submissions does not count toward it. Last evaluated 2026-09-01.

Conditions:
PRR12-related disorder. Also called: PRR12-related condition.
Inborn genetic diseases. Identifiers: MedGen C0950123, MeSH D030342.

Allele frequency attached by ClinVar (database versions not stated): 1000 Genomes Project 30x 0.00062; ESP Exome Variant Server 0.00072; 1000 Genomes Project 0.00080; gnomAD 0.00085; TOPMed 0.00085; ExAC 0.00090.
gnomAD v4.1: 2,140 of 1,558,060 alleles (0.14%); highest among the groups gnomAD compares: Non-Finnish European, 0.17%; 5 homozygotes.

Submissions (3):

CeGaT Center for Human Genetics Tuebingen
Classification: Likely benign. Last evaluated: 2026-09-01. Review status: criteria provided, single submitter. Criteria: CeGaT Center For Human Genetics Tuebingen Variant Classification Criteria Version 2. Collection method: clinical testing. Allele origin: germline. Affected: yes. Observed: 2 variant alleles.
Comment: PRR12: BS1

Ambry Genetics
Classification: Likely benign for Inborn genetic diseases. Last evaluated: 2024-01-12. Review status: criteria provided, single submitter. Criteria: Ambry Variant Classification Scheme 2023. Collection method: clinical testing. Allele origin: germline.

PreventionGenetics, part of Exact Sciences
Classification: Likely benign for PRR12-related condition. Last evaluated: 2022-02-08. Review status: no assertion criteria provided. Collection method: clinical testing. Allele origin: germline. Not counted in ClinVar's aggregate classification.
Comment: This variant is classified as likely benign based on ACMG/AMP sequence variant interpretation guidelines (Richards et al. 2015 PMID: 25741868, with internal and published modifications).